The following is an entry in ClinVar:

NM_025216.3(WNT10A):c.382C>T (p.Arg128Ter)

Gene: WNT10A (Wnt family member 10A; plus strand). Cytogenetic location: 2q35.
Variant type: single nucleotide variant.
Coding change: c.382C>T on transcript NM_025216.3 (MANE Select); coding-DNA position 382, C replaced by T.
Protein change: p.Arg128Ter; replaces arginine 128 with a stop codon.
Molecular consequence: nonsense.
Genome position (GRCh38, 1-based): chr2:218,889,989, C>T. VCF-style: chr2-218889989-C-T. GRCh37 (hg19) VCF-style: chr2-219754711-C-T.
Other names: short protein forms R128*.
Identifiers: ClinVar variation 464181 (VCV000464181.17), dbSNP rs762739726, ClinGen allele CA2113906.

ClinVar aggregate classification (germline): Pathogenic/Likely pathogenic. Review status: criteria provided, multiple submitters, no conflicts (2 of 4 stars). 7 submissions from 7 submitters: Pathogenic (6); Likely pathogenic (1). Last evaluated 2026-07-30.

Conditions:
WNT10A-related disorder. Also called: WNT10A-related condition; WNT10A-related disorders.
Tooth agenesis, selective, 4 (STHAG4). Also called: LATERAL INCISORS, ABSENCE OF; LATERAL INCISORS, PEGGED OR MISSING; SUCCEDANEOUS TEETH, AGENESIS OF; TOOTH AGENESIS, SELECTIVE, 4, WITH OR WITHOUT ECTODERMAL DYSPLASIA. Identifiers: Orphanet 99798, MedGen C1835492, MONDO:0007881, OMIM 150400. Disease mechanism: loss of function.
Odonto-onycho-dermal dysplasia. Identifiers: Orphanet 2721, MedGen C0796093, MONDO:0009773, OMIM 257980.
Schöpf-Schulz-Passarge syndrome. Also called: SchC6pf-Schulz-Passarge syndrome; KERATOSIS PALMOPLANTARIS WITH CYSTIC EYELIDS, HYPODONTIA, AND HYPOTRICHOSIS; ECCRINE TUMORS WITH ECTODERMAL DYSPLASIA. Identifiers: Orphanet 50944, MedGen C1857069, MONDO:0009145, OMIM 224750.
Ectodermal dysplasia. Also called: Ectodermal dysplasia syndrome. Identifiers: Orphanet 79373, MedGen C0013575, MONDO:0019287, HP:0000968.

Allele frequency attached by ClinVar (database versions not stated): ExAC 0.00002; gnomAD exomes 0.00002; TOPMed 0.00002.
gnomAD v4.1: 77 of 1,612,660 alleles (0.0048%); highest among the groups gnomAD compares: Non-Finnish European, 0.0061%; no homozygotes.

Submissions (7):

PreventionGenetics, part of Exact Sciences
Classification: Pathogenic for WNT10A-related condition. Last evaluated: 2026-07-30. Review status: criteria provided, single submitter. Criteria: ACMG Guidelines, 2015. Collection method: clinical testing. Allele origin: germline.
Comment: The WNT10A c.382C>T variant is predicted to result in premature protein termination (p.Arg128*). This variant has been reported in individuals with WNT10-related disorders (van Geel et al. 2010. PubMed ID: 20163410; Mostowska et al. 2012. PubMed ID: 23167694). This variant is reported in 0.0035% of alleles in individuals of European (Non-Finnish) descent in gnomAD. Nonsense variants in WNT10A are expected to be pathogenic. This variant is interpreted as pathogenic.

Genetics Laboratory, Great Ormond Street Hospital NHS Foundation Trust, North Thames Genomic Laboratory Hub
Classification: Pathogenic for Ectodermal dysplasia. Last evaluated: 2026-05-28. Review status: criteria provided, single submitter. Criteria: ACGS Best Practice Guidelines for Variant Classification in Rare Disease 2024 v1.2. Collection method: clinical testing. Allele origin: germline. Affected: yes.
Comment: PM2_moderate, PVS1_very-strong, PM3_moderate

GeneDx
Classification: Pathogenic. Last evaluated: 2025-07-31. Review status: criteria provided, single submitter. Criteria: GeneDx Variant Classification Process June 2021. Collection method: clinical testing. Allele origin: germline. Affected: yes.
Comment: Observed with a second pathogenic variant in the WNT10A gene in patients with features of WNT10A-related echodetermal dysplasia in published literature however phase of the variants was not specified in these reports (PMID: 20163410, 23167694) (PMID: 20163410, 23167694, 31468502); Nonsense variant predicted to result in protein truncation or nonsense mediated decay in a gene for which loss of function is a known mechanism of disease; Not observed at significant frequency in large population cohorts (gnomAD); This variant is associated with the following publications: (PMID: 25525159, 23167694, 30569517, 20163410, 31468502)

Natera, Inc.
Classification: Pathogenic for Schopf-Schulz-Passarge syndrome. Last evaluated: 2025-03-06. Review status: criteria provided, single submitter. Criteria: Natera Variant Classification Schema (03/2026). Collection method: clinical testing. Allele origin: germline.
Comment: The c.382C>T variant in WNT10A is a nonsense variant predicted to introduce a stop codon at amino acid 128. This variant is expected to result in nonsense mediated decay, truncation, or a dysfunctional protein product. This variant is rare in the general population with a frequency below the threshold expected for the associated phenotype(s). This variant has been observed in one or more individuals affected with the associated recessive disease, as either homozygous or compound heterozygous with a second variant (PMID: 20163410). Given the available evidence, this variant is classified as Pathogenic.

Labcorp Genetics (formerly Invitae), Labcorp
Classification: Pathogenic for Tooth agenesis, selective, 4; Odonto-onycho-dermal dysplasia. Last evaluated: 2024-05-07. Review status: criteria provided, single submitter. Criteria: Invitae Variant Classification Sherloc (09022015). Collection method: clinical testing. Allele origin: germline.
Comment: This sequence change creates a premature translational stop signal (p.Arg128*) in the WNT10A gene. It is expected to result in an absent or disrupted protein product. Loss-of-function variants in WNT10A are known to be pathogenic (PMID: 17847007, 22581971, 25629078). This variant is present in population databases (rs762739726, gnomAD 0.004%). This premature translational stop signal has been observed in individual(s) with odonto-onycho-dermal dysplasia or non-syndromic tooth agenesis (PMID: 20163410, 23167694). ClinVar contains an entry for this variant (Variation ID: 464181). For these reasons, this variant has been classified as Pathogenic.

Blueprint Genetics
Classification: Pathogenic for WNT10A-related disorders. Last evaluated: 2022-04-11. Review status: criteria provided, single submitter. Criteria: ACMG Guidelines, 2015. Collection method: clinical testing. Allele origin: germline. Affected: yes. Observed: 5 variant alleles.

Fulgent Genetics
Classification: Likely pathogenic for Tooth agenesis, selective, 4; Schöpf-Schulz-Passarge syndrome; Odonto-onycho-dermal dysplasia. Last evaluated: 2018-10-31. Review status: criteria provided, single submitter. Criteria: ACMG Guidelines, 2015. Collection method: clinical testing. Allele origin: unknown.

Literature cited by the submitters: PubMed 20163410 (cited by Natera, Inc. and Labcorp Genetics (formerly Invitae), Labcorp); PubMed 17847007 (cited by Labcorp Genetics (formerly Invitae), Labcorp); PubMed 22581971 (cited by Labcorp Genetics (formerly Invitae), Labcorp); PubMed 25629078 (cited by Labcorp Genetics (formerly Invitae), Labcorp); PubMed 23167694 (cited by Labcorp Genetics (formerly Invitae), Labcorp).